The following is an entry in ClinVar:

NM_001897.5(CSPG4):c.5281T>C (p.Leu1761=)

Gene: CSPG4 (chondroitin sulfate proteoglycan 4; minus strand). Cytogenetic location: 15q24.2.
Variant type: single nucleotide variant.
Coding change: c.5281T>C on transcript NM_001897.5 (MANE Select); coding-DNA position 5281, T replaced by C.
Protein change: p.Leu1761=; no amino-acid change (leucine 1761 retained).
Molecular consequence: synonymous variant.
Genome position (GRCh38, 1-based): chr15:75,677,238, A>G on the plus strand (T>C on the coding strand, the complement: CSPG4 is on the minus strand). VCF-style: chr15-75677238-A-G. GRCh37 (hg19) VCF-style: chr15-75969579-A-G.
Identifiers: ClinVar variation 2645569 (VCV002645569.24), dbSNP rs150717520, ClinGen allele CA7669617.

ClinVar aggregate classification (germline): Likely benign (1 of 4 stars; one submission).

Allele frequency attached by ClinVar (database versions not stated): ESP Exome Variant Server 0.00046; gnomAD 0.00075; gnomAD exomes 0.00075; 1000 Genomes Project 0.00080; TOPMed 0.00127; 1000 Genomes Project 30x 0.00141; ExAC 0.00251.
gnomAD v4.1: 1,167 of 1,486,280 alleles (0.079%); highest among the groups gnomAD compares: Middle Eastern, 0.79%; 1 homozygote.

Submission:

CeGaT Center for Human Genetics Tuebingen
Classification: Likely benign. Last evaluated: 2023-03-01. Review status: criteria provided, single submitter. Criteria: CeGaT Center For Human Genetics Tuebingen Variant Classification Criteria Version 2. Collection method: clinical testing. Allele origin: germline. Affected: yes. Observed: 1 variant allele.
Comment: CSPG4: BP4, BP7